The following is an entry in ClinVar:

ClinVar aggregate classification (germline): Uncertain significance. Review status: criteria provided, multiple submitters, no conflicts (2 of 4 stars). 4 submissions from 4 submitters: Uncertain significance (4). Last evaluated 2022-08-23.

Conditions:
Seizures, benign familial infantile, 3 (BFIS3). Also called: CONVULSIONS, BENIGN FAMILIAL INFANTILE, 3; Familial neonatal seizures. Identifiers: Orphanet 140927, Orphanet 306, MedGen C1843140, MONDO:0011904, OMIM 607745.
Developmental and epileptic encephalopathy, 11 (DEE11). Also called: Early infantile epileptic encephalopathy 11. Identifiers: Orphanet 1934, MedGen C3150987, MONDO:0013388, OMIM 613721.

Allele frequency attached by ClinVar (database versions not stated): ExAC 0.00002.
gnomAD v4.1: 60 of 1,613,756 alleles (0.0037%); highest among the groups gnomAD compares: Non-Finnish European, 0.0045%; no homozygotes.

Submissions (4):

Labcorp Genetics (formerly Invitae), Labcorp
Classification: Uncertain significance for Seizures, benign familial infantile, 3; Developmental and epileptic encephalopathy, 11. Last evaluated: 2022-08-23. Review status: criteria provided, single submitter. Criteria: Invitae Variant Classification Sherloc (09022015). Collection method: clinical testing. Allele origin: germline.
Comment: Algorithms developed to predict the effect of missense changes on protein structure and function are either unavailable or do not agree on the potential impact of this missense change (SIFT: "Deleterious"; PolyPhen-2: "Benign"; Align-GVGD: "Class C0"). ClinVar contains an entry for this variant (Variation ID: 586495). This missense change has been observed in individual(s) with autism spectrum disorder (PMID: 30564305). This variant is present in population databases (rs769825203, gnomAD 0.006%). This sequence change replaces alanine, which is neutral and non-polar, with valine, which is neutral and non-polar, at codon 462 of the SCN2A protein (p.Ala462Val). In summary, the available evidence is currently insufficient to determine the role of this variant in disease. Therefore, it has been classified as a Variant of Uncertain Significance.

GeneDx
Classification: Uncertain significance. Last evaluated: 2020-07-08. Review status: criteria provided, single submitter. Criteria: GeneDx Variant Classification Process June 2021. Collection method: clinical testing. Allele origin: germline. Affected: yes.
Comment: The majority of missense variants in this gene are considered pathogenic (Stenson et al., 2014); In silico analysis, which includes protein predictors and evolutionary conservation, supports a deleterious effect; This substitution is predicted to be within the cytoplasmic loop between the first and second homologous domains; This variant is associated with the following publications: (PMID: 30564305)

Fulgent Genetics
Classification: Uncertain significance for Seizures, benign familial infantile, 3; Developmental and epileptic encephalopathy, 11. Last evaluated: 2018-10-31. Review status: criteria provided, single submitter. Criteria: ACMG Guidelines, 2015. Collection method: clinical testing. Allele origin: unknown.

Athena Diagnostics
Classification: Uncertain significance. Last evaluated: 2017-11-17. Review status: criteria provided, single submitter. Criteria: Athena Diagnostics Criteria. Collection method: clinical testing. Allele origin: germline.

Literature cited by the submitters: PubMed 30564305 (cited by Labcorp Genetics (formerly Invitae), Labcorp).

NM_001040142.2(SCN2A):c.1385C>T (p.Ala462Val)

Gene: SCN2A (sodium voltage-gated channel alpha subunit 2; plus strand). Cytogenetic location: 2q24.3.
Variant type: single nucleotide variant.
Coding change: c.1385C>T on transcript NM_001040142.2 (MANE Select); coding-DNA position 1385, C replaced by T.
Protein change: p.Ala462Val; replaces alanine 462 with valine.
Molecular consequence: missense variant.
Genome position (GRCh38, 1-based): chr2:165,315,472, C>T. VCF-style: chr2-165315472-C-T. GRCh37 (hg19) VCF-style: chr2-166171982-C-T.
Other names: c.1385C>T, p.Ala462Val (NM_001371247.1, NM_021007.3, NM_001040143.2 and 1 more transcripts); short protein forms A462V.
Identifiers: ClinVar variation 586495 (VCV000586495.13), dbSNP rs769825203, ClinGen allele CA1939815.
Genomic context (GRCh38, chr2:165,315,472, plus strand): 5'-AACATGATAATTACTTTTTAAGTTTATATGCAACTTCCACATACTTTGCGCCCTTCTAGG[C>T]GGCAGCTGCAGCCGCATCTGCTGAATCAAGAGACTTCAGTGGTGCTGGTGGGATAGGAGT-3'
Protein context (NP_001035232.1, residues 452-472): QLKKQQEEAQ[Ala462Val]AAAAASAESR